The following is an entry in ClinVar:

NM_017436.7(A4GALT):c.28C>T (p.Arg10Trp)

Gene: A4GALT (alpha 1,4-galactosyltransferase (P1PK blood group); minus strand). Cytogenetic location: 22q13.2.
Variant type: single nucleotide variant.
Coding change: c.28C>T on transcript NM_017436.7 (MANE Select); coding-DNA position 28, C replaced by T.
Protein change: p.Arg10Trp; replaces arginine 10 with tryptophan.
Molecular consequence: missense variant.
Genome position (GRCh38, 1-based): chr22:42,693,924, G>A on the plus strand (C>T on the coding strand, the complement: A4GALT is on the minus strand). VCF-style: chr22-42693924-G-A. GRCh37 (hg19) VCF-style: chr22-43089930-G-A.
Other names: c.28C>T, p.Arg10Trp (NM_001318038.3); c.28C>T (NM_017436.4); short protein forms R10W.
Identifiers: ClinVar variation 1516275 (VCV001516275.8), dbSNP rs564938247, ClinGen allele CA10270409.

ClinVar aggregate classification (germline): Uncertain significance. Review status: criteria provided, multiple submitters, no conflicts (2 of 4 stars). 2 submissions from 2 submitters: Uncertain significance (2). Last evaluated 2025-04-02.

Allele frequency attached by ClinVar (database versions not stated): 1000 Genomes Project 0.00020; ExAC 0.00005; gnomAD exomes 0.00005; gnomAD 0.00006 and 0.00007; 1000 Genomes Project 30x 0.00016.
gnomAD v4.1: 257 of 1,601,238 alleles (0.016%); highest among the groups gnomAD compares: Non-Finnish European, 0.021%; no homozygotes.

Submissions (2):

Ambry Genetics
Classification: Uncertain significance. Last evaluated: 2025-04-02. Review status: criteria provided, single submitter. Criteria: Ambry Variant Classification Scheme 2023. Collection method: clinical testing. Allele origin: germline.

Labcorp Genetics (formerly Invitae), Labcorp
Classification: Uncertain significance. Last evaluated: 2024-10-19. Review status: criteria provided, single submitter. Criteria: Invitae Variant Classification Sherloc (09022015). Collection method: clinical testing. Allele origin: germline.
Comment: This sequence change replaces arginine, which is basic and polar, with tryptophan, which is neutral and slightly polar, at codon 10 of the A4GALT protein (p.Arg10Trp). This variant is present in population databases (rs564938247, gnomAD 0.01%). This variant has not been reported in the literature in individuals affected with A4GALT-related conditions. ClinVar contains an entry for this variant (Variation ID: 1516275). An algorithm developed to predict the effect of missense changes on protein structure and function outputs the following: PolyPhen-2: "Benign". The tryptophan amino acid residue is found in multiple mammalian species, which suggests that this missense change does not adversely affect protein function. In summary, the available evidence is currently insufficient to determine the role of this variant in disease. Therefore, it has been classified as a Variant of Uncertain Significance.